The following is an entry in ClinVar:

NM_001371623.1(TCOF1):c.3142C>T (p.Arg1048Trp)

Gene: TCOF1 (treacle ribosome biogenesis factor 1; plus strand). Cytogenetic location: 5q32.
Variant type: single nucleotide variant.
Coding change: c.3142C>T on transcript NM_001371623.1 (MANE Select); coding-DNA position 3142, C replaced by T.
Protein change: p.Arg1048Trp; replaces arginine 1048 with tryptophan.
Molecular consequence: missense variant.
Genome position (GRCh38, 1-based): chr5:150,389,982, C>T. VCF-style: chr5-150389982-C-T. GRCh37 (hg19) VCF-style: chr5-149769545-C-T.
Other names: p.Arg1048Trp; c.2911C>T, p.Arg971Trp (NM_000356.4, NM_001135245.2); c.3142C>T, p.Arg1048Trp (NM_001135243.2, NM_001135244.2, NM_001195141.2); c.3022C>T, p.Arg1008Trp (NM_001437406.1); short protein forms R971W, R1008W, R1048W.
Identifiers: ClinVar variation 4181734 (VCV004181734.3).

ClinVar aggregate classification (germline): Conflicting classifications of pathogenicity. Review status: criteria provided, conflicting classifications (1 of 4 stars). 3 submissions from 3 submitters: Uncertain significance (2); Benign (1). Last evaluated 2025-10-29.

Conditions:
Treacher Collins syndrome 1 (TCS1). Also called: TCOF1-Related Treacher Collins Syndrome. Identifiers: Orphanet 861, MedGen CN315775, MONDO:0007944, OMIM 154500.
Inborn genetic diseases. Identifiers: MedGen C0950123, MeSH D030342.

gnomAD v4.1: 73 of 1,613,718 alleles (0.0045%); highest among the groups gnomAD compares: Non-Finnish European, 0.0054%; no homozygotes.

Submissions (3):

Labcorp Genetics (formerly Invitae), Labcorp
Classification: Uncertain significance for Treacher Collins syndrome 1. Last evaluated: 2025-10-29. Review status: criteria provided, single submitter. Criteria: Invitae Variant Classification Sherloc (09022015). Collection method: clinical testing. Allele origin: germline.
Comment: This sequence change replaces arginine, which is basic and polar, with tryptophan, which is neutral and slightly polar, at codon 1048 of the TCOF1 protein (p.Arg1048Trp). This variant is present in population databases (rs764924499, gnomAD 0.009%). This variant has not been reported in the literature in individuals affected with TCOF1-related conditions. ClinVar contains an entry for this variant (Variation ID: 4181734). An algorithm developed to predict the effect of missense changes on protein structure and function (PolyPhen-2) suggests that this variant is likely to be disruptive. In summary, the available evidence is currently insufficient to determine the role of this variant in disease. Therefore, it has been classified as a Variant of Uncertain Significance.

Ambry Genetics
Classification: Uncertain significance for Inborn genetic diseases. Last evaluated: 2025-08-26. Review status: criteria provided, single submitter. Criteria: Ambry Variant Classification Scheme 2023. Collection method: clinical testing. Allele origin: germline.

Mayo Clinic Laboratories, Mayo Clinic
Classification: Benign. Last evaluated: 2024-10-16. Review status: criteria provided, single submitter. Criteria: ACMG Guidelines, 2015. Collection method: clinical testing. Allele origin: germline. Observed: 1 variant allele.
Comment: BS1, BS2, BP4